The following is an entry in ClinVar:

ClinVar aggregate classification (germline): Uncertain significance (1 of 4 stars; one submission).

Conditions:
Disseminated atypical mycobacterial infection. Identifiers: MedGen C0694566.

gnomAD v4.1: 1 of 1,598,942 alleles (0.000063%); no homozygotes.

Submission:

Labcorp Genetics (formerly Invitae), Labcorp
Classification: Uncertain significance for Disseminated atypical mycobacterial infection. Last evaluated: 2023-09-09. Review status: criteria provided, single submitter. Criteria: Invitae Variant Classification Sherloc (09022015). Collection method: clinical testing. Allele origin: germline.
Comment: This sequence change replaces isoleucine, which is neutral and non-polar, with valine, which is neutral and non-polar, at codon 238 of the IFNGR1 protein (p.Ile238Val). In summary, the available evidence is currently insufficient to determine the role of this variant in disease. Therefore, it has been classified as a Variant of Uncertain Significance. Advanced modeling of protein sequence and biophysical properties (such as structural, functional, and spatial information, amino acid conservation, physicochemical variation, residue mobility, and thermodynamic stability) performed at Invitae indicates that this missense variant is not expected to disrupt IFNGR1 protein function. This variant has not been reported in the literature in individuals affected with IFNGR1-related conditions. This variant is not present in population databases (gnomAD no frequency).

NM_000416.3(IFNGR1):c.712A>G (p.Ile238Val)

Gene: IFNGR1 (interferon gamma receptor 1; minus strand). Cytogenetic location: 6q23.3.
Variant type: single nucleotide variant.
Coding change: c.712A>G on transcript NM_000416.3 (MANE Select); coding-DNA position 712, A replaced by G.
Protein change: p.Ile238Val; replaces isoleucine 238 with valine.
Molecular consequence: missense variant.
Genome position (GRCh38, 1-based): chr6:137,203,520, T>C on the plus strand (A>G on the coding strand, the complement: IFNGR1 is on the minus strand). VCF-style: chr6-137203520-T-C. GRCh37 (hg19) VCF-style: chr6-137524657-T-C.
Other names: c.682A>G, p.Ile228Val (NM_001363526.1); c.589A>G, p.Ile197Val (NM_001363527.1); short protein forms I197V, I228V, I238V.
Identifiers: ClinVar variation 2961269 (VCV002961269.3), dbSNP rs2114473394, ClinGen allele CA365774661.